The following is an entry in ClinVar:

ClinVar aggregate classification (germline): Uncertain significance (1 of 4 stars; one submission).

Conditions:
Giant axonal neuropathy 1 (GAN1). Also called: GIANT AXONAL NEUROPATHY 1, AUTOSOMAL RECESSIVE; GAN-Related Neurodegeneration. Identifiers: Orphanet 643, MedGen C1850386, MONDO:0009749, OMIM 256850.

Allele frequency attached by ClinVar (database versions not stated): gnomAD exomes below 0.00001; ExAC 0.00001; gnomAD 0.00001; TOPMed 0.00001.
gnomAD v4.1: 4 of 1,613,944 alleles (0.00025%); highest among the groups gnomAD compares: African/African-American, 0.0027%; no homozygotes.

Submission:

Labcorp Genetics (formerly Invitae), Labcorp
Classification: Uncertain significance for Giant axonal neuropathy 1. Last evaluated: 2022-02-10. Review status: criteria provided, single submitter. Criteria: Invitae Variant Classification Sherloc (09022015). Collection method: clinical testing. Allele origin: germline.
Comment: This variant is present in population databases (rs770618198, gnomAD 0.007%). This sequence change replaces aspartic acid, which is acidic and polar, with glutamic acid, which is acidic and polar, at codon 139 of the GAN protein (p.Asp139Glu). This variant has not been reported in the literature in individuals affected with GAN-related conditions. In summary, the available evidence is currently insufficient to determine the role of this variant in disease. Therefore, it has been classified as a Variant of Uncertain Significance. Algorithms developed to predict the effect of missense changes on protein structure and function (SIFT, PolyPhen-2, Align-GVGD) all suggest that this variant is likely to be tolerated. ClinVar contains an entry for this variant (Variation ID: 1041421).

NM_022041.4(GAN):c.417C>G (p.Asp139Glu)

Gene: GAN (gigaxonin; plus strand). Cytogenetic location: 16q23.2.
Variant type: single nucleotide variant.
Coding change: c.417C>G on transcript NM_022041.4 (MANE Select); coding-DNA position 417, C replaced by G.
Protein change: p.Asp139Glu; replaces aspartic acid 139 with glutamic acid.
Molecular consequence: missense variant. On other transcripts: 5 prime UTR variant (1).
Genome position (GRCh38, 1-based): chr16:81,354,539, C>G. VCF-style: chr16-81354539-C-G. GRCh37 (hg19) VCF-style: chr16-81388144-C-G.
Other names: c.-223C>G (NM_001377486.1); short protein forms D139E.
Identifiers: ClinVar variation 1041421 (VCV001041421.6), dbSNP rs770618198, ClinGen allele CA8191366.